The following is an entry in ClinVar:

ClinVar aggregate classification (germline): Likely benign. Review status: criteria provided, multiple submitters, no conflicts (2 of 4 stars). 2 submissions from 2 submitters: Likely benign (2). Last evaluated 2026-07-21.

Conditions:
Peroxisome biogenesis disorder. Identifiers: Orphanet 79189, MedGen C1832200, MONDO:0019234. Disease mechanism: loss of function.
PEX6-related disorder. Also called: PEX6-related disorders; PEX6-related condition.

Allele frequency attached by ClinVar (database versions not stated): gnomAD exomes below 0.00001 and 0.00001; ExAC 0.00001; TOPMed 0.00001.
gnomAD v4.1: 4 of 1,612,828 alleles (0.00025%); highest among the groups gnomAD compares: Admixed American, 0.0017%; no homozygotes.

Submissions (2):

PreventionGenetics, part of Exact Sciences
Classification: Likely benign for PEX6-related condition. Last evaluated: 2026-07-21. Review status: criteria provided, single submitter. Criteria: ACMG Guidelines, 2015. Collection method: clinical testing. Allele origin: germline.
Comment: This variant is classified as likely benign based on ACMG/AMP sequence variant interpretation guidelines (Richards et al. 2015 PMID: 25741868, with internal and published modifications).

Labcorp Genetics (formerly Invitae), Labcorp
Classification: Likely benign for Peroxisome biogenesis disorder. Last evaluated: 2026-01-21. Review status: criteria provided, single submitter. Criteria: Invitae Variant Classification Sherloc (09022015). Collection method: clinical testing. Allele origin: germline.

NM_000287.4(PEX6):c.1131-7C>T

Gene: PEX6 (peroxisomal biogenesis factor 6; minus strand). Cytogenetic location: 6p21.1.
Variant type: single nucleotide variant.
Coding change: c.1131-7C>T on transcript NM_000287.4 (MANE Select); 7 bases into the intron before coding-DNA position 1131, C replaced by T.
Molecular consequence: intron variant.
Genome position (GRCh38, 1-based): chr6:42,969,994, G>A on the plus strand (C>T on the coding strand, the complement: PEX6 is on the minus strand). VCF-style: chr6-42969994-G-A. GRCh37 (hg19) VCF-style: chr6-42937732-G-A.
Other names: c.867-7C>T (NM_001316313.2); c.1131-7C>T (NM_000287.3).
Identifiers: ClinVar variation 1662189 (VCV001662189.9), dbSNP rs752538584, ClinGen allele CA3811435.